The following is an entry in ClinVar:

NM_031407.7(HUWE1):c.8461A>G (p.Thr2821Ala)

Gene: HUWE1 (HECT, UBA and WWE domain containing E3 ubiquitin protein ligase 1; minus strand). Cytogenetic location: Xp11.22.
Variant type: single nucleotide variant.
Coding change: c.8461A>G on transcript NM_031407.7 (MANE Select); coding-DNA position 8461, A replaced by G.
Protein change: p.Thr2821Ala; replaces threonine 2821 with alanine.
Molecular consequence: missense variant.
Genome position (GRCh38, 1-based): chrX:53,554,666, T>C on the plus strand (A>G on the coding strand, the complement: HUWE1 is on the minus strand). VCF-style: chrX-53554666-T-C. GRCh37 (hg19) VCF-style: chrX-53581627-T-C.
Other names: short protein forms T2821A.
Identifiers: ClinVar variation 3371240 (VCV003371240.2).
Genomic context (GRCh38, chrX:53,554,666, plus strand): 5'-CTCCCCAAATGTTGAAATTCTACTCACTTATAGTGGGAGCTGGGGATAACTCCATCTGAG[T>C]TGTTTCTGCTTCCCCACTTGGCCTTGTGGGACCCAATTCCTCTGGCTCTACAGGCATCAA-3'
Protein context (NP_113584.3, residues 2811-2831): PTRPSGEAET[Thr2821Ala]QMELSPAPTI

ClinVar aggregate classification (germline): Uncertain significance (1 of 4 stars; one submission).

Submission:

GeneDx
Classification: Uncertain significance. Last evaluated: 2025-07-21. Review status: criteria provided, single submitter. Criteria: GeneDx Variant Classification Process June 2021. Collection method: clinical testing. Allele origin: germline. Affected: yes.
Comment: Not observed at significant frequency in large population cohorts (gnomAD); In silico analysis suggests that this missense variant does not alter protein structure/function; Has not been previously published as pathogenic or benign to our knowledge